The following is an entry in ClinVar:

NM_152564.5(VPS13B):c.4224+718_4224+719del

Gene: VPS13B (vacuolar protein sorting 13 homolog B; plus strand). Cytogenetic location: 8q22.2.
Variant type: Deletion.
Coding change: c.4224+718_4224+719del on transcript NM_152564.5 (MANE Select); bases 718 to 719 of the intron after coding-DNA position 4224, 2 bases deleted (TA; older notation c.4224+718_4224+719delTA).
Molecular consequence: intron variant.
Genome position (GRCh38, 1-based): chr8:99,507,921-99,507,922, TA deleted. VCF-style (leftmost placement, unchanged base first): chr8-99507920-TTA-T. GRCh37 (hg19) VCF-style: chr8-100520148-TTA-T.
Other names: c.4299+10_4299+11del (NM_017890.5).
Identifiers: ClinVar variation 4987856 (VCV004987856.1).

ClinVar aggregate classification (germline): Likely benign (1 of 4 stars; one submission).

Conditions:
VPS13B-related disorder. Also called: VPS13B-related condition.

Submission:

PreventionGenetics, part of Exact Sciences
Classification: Likely benign for VPS13B-related condition. Last evaluated: 2025-01-02. Review status: criteria provided, single submitter. Criteria: ACMG Guidelines, 2015. Collection method: clinical testing. Allele origin: germline.
Comment: This variant is classified as likely benign based on ACMG/AMP sequence variant interpretation guidelines (Richards et al. 2015 PMID: 25741868, with internal and published modifications).